The following is an entry in ClinVar:

ClinVar aggregate classification (germline): Conflicting classifications of pathogenicity. Review status: criteria provided, conflicting classifications (1 of 4 stars). 4 submissions from 4 submitters: Uncertain significance (1); Benign (1); Likely benign (2). Last evaluated 2026-01-23.

Conditions:
Chitotriosidase deficiency (CHITD). Identifiers: MedGen C3279902, OMIM 614122, MONDO:0013586.

Allele frequency attached by ClinVar (database versions not stated): gnomAD exomes 0.00034 and 0.00092; ExAC 0.00113; 1000 Genomes Project 0.00220; 1000 Genomes Project 30x 0.00234; gnomAD 0.00366 and 0.00396; TOPMed 0.00436; ESP Exome Variant Server 0.00461.
gnomAD v4.1: 1,070 of 1,612,298 alleles (0.066%); highest among the groups gnomAD compares: African/African-American, 1.3%; 8 homozygotes.

Submissions (4):

Labcorp Genetics (formerly Invitae), Labcorp
Classification: Benign for Chitotriosidase deficiency. Last evaluated: 2026-01-23. Review status: criteria provided, single submitter. Criteria: Invitae Variant Classification Sherloc (09022015). Collection method: clinical testing. Allele origin: germline.

Mayo Clinic Laboratories, Mayo Clinic
Classification: Likely benign. Last evaluated: 2025-04-01. Review status: criteria provided, single submitter. Criteria: ACMG Guidelines, 2015. Collection method: clinical testing. Allele origin: germline. Observed: 2 variant alleles.
Comment: BP4, BP7

Blueprint Genetics
Classification: Likely benign. Last evaluated: 2024-08-23. Review status: criteria provided, single submitter. Criteria: ACMG Guidelines, 2015. Collection method: clinical testing. Allele origin: germline.

Illumina Laboratory Services, Illumina
Classification: Uncertain significance for Chitotriosidase deficiency. Last evaluated: 2018-01-13. Review status: criteria provided, single submitter. Criteria: ICSL Variant Classification Criteria 13 December 2019. Collection method: clinical testing. Allele origin: germline.

NM_003465.3(CHIT1):c.759G>A (p.Lys253=)

Gene: CHIT1 (chitinase 1; minus strand). Cytogenetic location: 1q32.1.
Variant type: single nucleotide variant.
Coding change: c.759G>A on transcript NM_003465.3 (MANE Select); coding-DNA position 759, G replaced by A.
Protein change: p.Lys253=; no amino-acid change (lysine 253 retained).
Molecular consequence: synonymous variant. On other transcripts: non-coding transcript variant (2).
Genome position (GRCh38, 1-based): chr1:203,219,820, C>T on the plus strand (G>A on the coding strand, the complement: CHIT1 is on the minus strand). VCF-style: chr1-203219820-C-T. GRCh37 (hg19) VCF-style: chr1-203188948-C-T.
Other names: p.Lys253=; c.702G>A, p.Lys234= (NM_001256125.2).
Identifiers: ClinVar variation 788174 (VCV000788174.15), dbSNP rs138767766, ClinGen allele CA1339818.